The following is an entry in ClinVar:

ClinVar aggregate classification (germline): Benign/Likely benign. Review status: criteria provided, multiple submitters, no conflicts (2 of 4 stars). 4 submissions from 4 submitters: Benign (1); Likely benign (3). Last evaluated 2025-11-28.

Conditions:
Neonatal encephalomyopathy-cardiomyopathy-respiratory distress syndrome. Also called: Coenzyme Q10 deficiency, primary, 7. Identifiers: Orphanet 457185, MedGen C5568562, MONDO:0014562, OMIM 616276.

Allele frequency attached by ClinVar (database versions not stated): gnomAD exomes 0.00020; ExAC 0.00050; gnomAD 0.00111 and 0.00120; TOPMed 0.00133; 1000 Genomes Project 30x 0.00156; 1000 Genomes Project 0.00160.
gnomAD v4.1: 316 of 1,596,868 alleles (0.02%); highest among the groups gnomAD compares: African/African-American, 0.37%; 1 homozygote.

Submissions (4):

Labcorp Genetics (formerly Invitae), Labcorp
Classification: Benign for Neonatal encephalomyopathy-cardiomyopathy-respiratory distress syndrome. Last evaluated: 2025-11-28. Review status: criteria provided, single submitter. Criteria: Invitae Variant Classification Sherloc (09022015). Collection method: clinical testing. Allele origin: germline.

Mayo Clinic Laboratories, Mayo Clinic
Classification: Likely benign. Last evaluated: 2025-02-05. Review status: criteria provided, single submitter. Criteria: ACMG Guidelines, 2015. Collection method: clinical testing. Allele origin: germline. Observed: 5 variant alleles.
Comment: BS1, BP4, BP7

Blueprint Genetics
Classification: Likely benign. Last evaluated: 2024-03-05. Review status: criteria provided, single submitter. Criteria: ACMG Guidelines, 2015. Collection method: clinical testing. Allele origin: germline.

GeneDx
Classification: Likely benign. Last evaluated: 2020-01-23. Review status: criteria provided, single submitter. Criteria: GeneDx Variant Classification Process June 2021. Collection method: clinical testing. Allele origin: germline. Affected: yes.

NM_016035.5(COQ4):c.48G>C (p.Pro16=)

Gene: COQ4 (coenzyme Q4; plus strand). Cytogenetic location: 9q34.11.
Variant type: single nucleotide variant.
Coding change: c.48G>C on transcript NM_016035.5 (MANE Select); coding-DNA position 48, G replaced by C.
Protein change: p.Pro16=; no amino-acid change (proline 16 retained).
Molecular consequence: synonymous variant.
Genome position (GRCh38, 1-based): chr9:128,322,906, G>C. VCF-style: chr9-128322906-G-C. GRCh37 (hg19) VCF-style: chr9-131085185-G-C.
Other names: p.Pro16=; c.48G>C, p.Pro16= (NM_001305942.2).
Identifiers: ClinVar variation 476184 (VCV000476184.15), dbSNP rs375750495, ClinGen allele CA5260373.